The following is an entry in ClinVar:

ClinVar aggregate classification (germline): Likely pathogenic (1 of 4 stars; one submission).

Conditions:
Emery-Dreifuss muscular dystrophy 2, autosomal dominant (EDMD2). Also called: Benign scapuloperoneal muscular dystrophy with cardiomyopathy; LMNA-Related Emery-Dreifuss Muscular Dystrophy, Autosomal; HAUPTMANN-THANNHAUSER MUSCULAR DYSTROPHY; MUSCULAR DYSTROPHY WITH EARLY CONTRACTURES AND CARDIOMYOPATHY, AUTOSOMAL DOMINANT; SCAPULOILIOPERONEAL ATROPHY WITH CARDIOPATHY; Limb-girdle muscular dystrophy, type 1B. Identifiers: Orphanet 261, Orphanet 264, MedGen C0410190, MONDO:0021569, OMIM 181350.

Submission:

Diagnostics Services (NGS), CSIR - Centre For Cellular And Molecular Biology
Classification: Likely pathogenic for Emery-Dreifuss muscular dystrophy 2, autosomal dominant. Last evaluated: 2026-07-24. Review status: criteria provided, single submitter. Criteria: ACMG Guidelines, 2015. Collection method: clinical testing. Allele origin: germline. Affected: yes. Observed: 1 variant allele, 1 heterozygote.
Comment: The c.812T>A variant is not present in publicly available population databases like 1000 Genomes, gnomAD, EVS, Indian Exome Database or in our internal database. This variant has neither been published in the literature for LMNA-related conditions nor reported to clinical databases like Human Genome Mutation Database (HGMD), ClinVar or OMIM in any affected individuals. In-silico pathogenicity prediction programs like SIFT, Polyphen2, MutationTaster2021, REVEL, CADD, Franklin, Varsome, etc. predicted this variant to be likely deleterious, however these predictions were not confirmed by published functional studies. This variant is present in a mutational hotspot region of the gene and a different amino acid change (Leu271Pro) in the same codon has been previously observed in individuals with LMNA-related conditions [PMID: 25832542, 29693488] and reported to the clinical databases.

Literature cited by the submitters: PubMed 25832542; PubMed 29693488.

NM_170707.4(LMNA):c.812T>A (p.Leu271Gln)

Gene: LMNA (lamin A/C; plus strand). Cytogenetic location: 1q22.
Variant type: single nucleotide variant.
Coding change: c.812T>A on transcript NM_170707.4 (MANE Select); coding-DNA position 812, T replaced by A.
Protein change: p.Leu271Gln; replaces leucine 271 with glutamine.
Molecular consequence: missense variant.
Genome position (GRCh38, 1-based): chr1:156,135,188, T>A. VCF-style: chr1-156135188-T-A. GRCh37 (hg19) VCF-style: chr1-156104979-T-A.
Other names: c.476T>A, p.Leu159Gln (NM_001257374.3, NM_001406989.1, NM_001406998.1); c.569T>A, p.Leu190Gln (NM_001282624.2, NM_001406986.1, NM_001406987.1); c.812T>A, p.Leu271Gln (NM_001282625.2, NM_001282626.2, NM_001406983.1 and 6 more transcripts); c.515T>A, p.Leu172Gln (NM_001406988.1); c.148T>A, p.Trp50Arg (NM_001406999.1, NM_001407000.1, NM_001407001.1 and 1 more transcripts); c.254T>A, p.Leu85Gln (NM_001407002.1, NM_001407003.1, NM_001406990.1 and 4 more transcripts); short protein forms L159Q, L172Q, L190Q, L271Q, L85Q, W50R.
Identifiers: ClinVar variation 4884499 (VCV004884499.1).
Genomic context (GRCh38, chr1:156,135,188, plus strand): 5'-GGCCTGTGCCTCCACCCCTCCCAGTCACCACAGTCCTAACCCTTTGTCCTCCCCTCCAGC[T>A]GGACAATGCCAGGCAGTCTGCTGAGAGGAACAGCAACCTGGTGGGGGCTGCCCACGAGGA-3'
Protein context (NP_733821.1, residues 261-281): KELEKTYSAK[Leu271Gln]DNARQSAERN